The following is an entry in ClinVar:

ClinVar aggregate classification (germline): Likely benign (0 of 4 stars; one submission).

Conditions:
EPHA2-related disorder. Also called: EPHA2-related condition.

gnomAD v4.1: 48 of 1,613,966 alleles (0.003%); highest among the groups gnomAD compares: Admixed American, 0.015%; no homozygotes.

Submission:

PreventionGenetics, part of Exact Sciences
Classification: Likely benign for EPHA2-related condition. Last evaluated: 2024-05-14. Review status: no assertion criteria provided. Collection method: clinical testing. Allele origin: germline.
Comment: This variant is classified as likely benign based on ACMG/AMP sequence variant interpretation guidelines (Richards et al. 2015 PMID: 25741868, with internal and published modifications).

NM_004431.5(EPHA2):c.1764C>T (p.Tyr588=)

Gene: EPHA2 (EPH receptor A2; minus strand). Cytogenetic location: 1p36.13.
Variant type: single nucleotide variant.
Coding change: c.1764C>T on transcript NM_004431.5 (MANE Select); coding-DNA position 1764, C replaced by T.
Protein change: p.Tyr588=; no amino-acid change (tyrosine 588 retained).
Molecular consequence: synonymous variant.
Genome position (GRCh38, 1-based): chr1:16,133,581, G>A on the plus strand (C>T on the coding strand, the complement: EPHA2 is on the minus strand). VCF-style: chr1-16133581-G-A. GRCh37 (hg19) VCF-style: chr1-16460076-G-A.
Other names: c.1602C>T, p.Tyr534= (NM_001329090.2).
Identifiers: ClinVar variation 3350781 (VCV003350781.1).
Genomic context (GRCh38, chr1:16,133,581, plus strand): 5'-GATCTCGGTAGTGAACTTCAACACAGCCTGGTTGGGGTCCTCATATGTGTGGGGGTCCAC[G>A]TATGTCTTCAGGGGCTTCAGTTGTTCTGGAAGGAGAAGGGGTGGGGTCACAGGCAGCTCA-3'
Protein context (NP_004422.2, residues 578-598): KSEQLKPLKT[Tyr588=]VDPHTYEDPN